The following is an entry in ClinVar:

NC_000023.10:g.(?_107834471)_(107835925_?)del

Gene: COL4A5 (collagen type IV alpha 5 chain; plus strand). Cytogenetic location: Xq22.3.
Variant type: Deletion.
Identifiers: ClinVar variation 2423167 (VCV002423167.3).

ClinVar aggregate classification (germline): Pathogenic (1 of 4 stars; one submission).

Submission:

Labcorp Genetics (formerly Invitae), Labcorp
Classification: Pathogenic. Last evaluated: 2023-12-07. Review status: criteria provided, single submitter. Criteria: Invitae Variant Classification Sherloc (09022015). Collection method: clinical testing. Allele origin: germline.
Comment: This variant is a gross deletion of the genomic region encompassing exon(s) 21 of the COL4A5 gene. This variant would be expected to be in-frame, preserving the integrity of the reading frame. This variant has not been reported in the literature in individuals affected with COL4A5-related conditions. This variant disrupts the triple helix domain of COL4A5. Glycine residues within the Gly-Xaa-Yaa repeats of the triple helix domain are required for the structure and stability of fibrillar collagens (PMID: 7695699, 8218237, 19344236). In COL4A5, missense variants at these glycine residues are significantly enriched in individuals with disease (PMID: 23720012, 27627812) compared to the general population (ExAC). For these reasons, this variant has been classified as Pathogenic.

Literature cited by the submitters: PubMed 7695699; PubMed 8218237; PubMed 19344236; PubMed 23720012; PubMed 27627812.